The following is an entry in ClinVar:

ClinVar aggregate classification (germline): Likely benign (1 of 4 stars; one submission).

Conditions:
Developmental and epileptic encephalopathy, 12 (DEE12). Identifiers: MedGen C3150988, MONDO:0013389, OMIM 613722.

Allele frequency attached by ClinVar (database versions not stated): gnomAD 0.00686 and 0.00722; TOPMed 0.00702; 1000 Genomes Project 0.00719; 1000 Genomes Project 30x 0.00812.

Submission:

Illumina Laboratory Services, Illumina
Classification: Likely benign for Developmental and epileptic encephalopathy, 12. Last evaluated: 2018-01-12. Review status: criteria provided, single submitter. Criteria: ICSL Variant Classification Criteria 13 December 2019. Collection method: clinical testing. Allele origin: germline.
Comment: This variant was observed in the ICSL laboratory as part of a predisposition screen in an ostensibly healthy population. It had not been previously curated by ICSL or reported in the Human Gene Mutation Database (HGMD: prior to June 1st, 2018), and was therefore a candidate for classification through an automated scoring system. Utilizing variant allele frequency, disease prevalence and penetrance estimates, and inheritance mode, an automated score was calculated to assess if this variant is too frequent to cause the disease. Based on the score and internal cut-off values, a variant classified as likely benign is not then subjected to further curation. The score for this variant resulted in a classification of likely benign for this disease.

NM_015192.4(PLCB1):c.*855G>A

Gene: PLCB1 (phospholipase C beta 1; plus strand). Cytogenetic location: 20p12.3.
Variant type: single nucleotide variant.
Coding change: c.*855G>A on transcript NM_015192.4 (MANE Select); 855 bases downstream of the stop codon, G replaced by A.
Molecular consequence: 3 prime UTR variant.
Genome position (GRCh38, 1-based): chr20:8,882,704, G>A. VCF-style: chr20-8882704-G-A. GRCh37 (hg19) VCF-style: chr20-8863351-G-A.
Other names: c.*1102G>A (NM_182734.3).
Identifiers: ClinVar variation 339528 (VCV000339528.5), dbSNP rs115731722, ClinGen allele CA10652822.